The following is an entry in ClinVar:

NM_015295.3(SMCHD1):c.1642G>A (p.Gly548Arg)

Gene: SMCHD1 (structural maintenance of chromosomes flexible hinge domain containing 1; plus strand). Cytogenetic location: 18p11.32.
Variant type: single nucleotide variant.
Coding change: c.1642G>A on transcript NM_015295.3 (MANE Select); coding-DNA position 1642, G replaced by A.
Protein change: p.Gly548Arg; replaces glycine 548 with arginine.
Molecular consequence: missense variant.
Genome position (GRCh38, 1-based): chr18:2,700,913, G>A. VCF-style: chr18-2700913-G-A. GRCh37 (hg19) VCF-style: chr18-2700911-G-A.
Other names: c.1642G>A (NM_015295.2); short protein forms G548R.
Identifiers: ClinVar variation 2802933 (VCV002802933.4), dbSNP rs2074385164, ClinGen allele CA401700393.

ClinVar aggregate classification (germline): Uncertain significance. Review status: criteria provided, multiple submitters, no conflicts (2 of 4 stars). 2 submissions from 2 submitters: Uncertain significance (2). Last evaluated 2025-06-10.

Conditions:
Facioscapulohumeral muscular dystrophy 2 (FSHD2). Also called: MUSCULAR DYSTROPHY, FACIOSCAPULOHUMERAL, TYPE 1B; FACIOSCAPULOHUMERAL MUSCULAR DYSTROPHY 2, DIGENIC; FSHD2, DIGENIC. Identifiers: Orphanet 269, MedGen C1834671, MONDO:0008031, OMIM 158901.

Allele frequency attached by ClinVar (database versions not stated): gnomAD exomes below 0.00001; TOPMed below 0.00001.
gnomAD v4.1: 3 of 1,573,232 alleles (0.00019%); highest among the groups gnomAD compares: Non-Finnish European, 0.00026%; no homozygotes.

Submissions (2):

Labcorp Genetics (formerly Invitae), Labcorp
Classification: Uncertain significance for Facioscapulohumeral muscular dystrophy 2. Last evaluated: 2025-06-10. Review status: criteria provided, single submitter. Criteria: Invitae Variant Classification Sherloc (09022015). Collection method: clinical testing. Allele origin: germline.
Comment: This sequence change replaces glycine, which is neutral and non-polar, with arginine, which is basic and polar, at codon 548 of the SMCHD1 protein (p.Gly548Arg). This variant is not present in population databases (gnomAD no frequency). This missense change has been observed in individual(s) with clinical features of SMCHD1-related conditions (internal data). ClinVar contains an entry for this variant (Variation ID: 2802933). Invitae Evidence Modeling of protein sequence and biophysical properties (such as structural, functional, and spatial information, amino acid conservation, physicochemical variation, residue mobility, and thermodynamic stability) indicates that this missense variant is expected to disrupt SMCHD1 protein function with a positive predictive value of 80%. In summary, the available evidence is currently insufficient to determine the role of this variant in disease. Therefore, it has been classified as a Variant of Uncertain Significance.

GeneDx
Classification: Uncertain significance. Last evaluated: 2024-08-14. Review status: criteria provided, single submitter. Criteria: GeneDx Variant Classification Process June 2021. Collection method: clinical testing. Allele origin: germline. Affected: yes.
Comment: Not observed at significant frequency in large population cohorts (gnomAD); In silico analysis supports that this missense variant has a deleterious effect on protein structure/function; Has not been previously published as pathogenic or benign to our knowledge